The following is an entry in ClinVar:

ClinVar aggregate classification (germline): Likely benign. Review status: criteria provided, multiple submitters, no conflicts (2 of 4 stars). 2 submissions from 2 submitters: Likely benign (2). Last evaluated 2025-09-01.

Conditions:
Alzheimer disease. Also called: Presenile and senile dementia; Alzheimer's disease. Identifiers: Orphanet 1020, MedGen C0002395, MeSH D000544, MONDO:0004975, HP:0002511.

Allele frequency attached by ClinVar (database versions not stated): ExAC 0.00002; TOPMed 0.00003; gnomAD 0.00004; gnomAD exomes 0.00006; ESP Exome Variant Server 0.00008.
gnomAD v4.1: 100 of 1,613,878 alleles (0.0062%); highest among the groups gnomAD compares: Non-Finnish European, 0.0078%; no homozygotes.

Submissions (2):

CeGaT Center for Human Genetics Tuebingen
Classification: Likely benign. Last evaluated: 2025-09-01. Review status: criteria provided, single submitter. Criteria: CeGaT Center For Human Genetics Tuebingen Variant Classification Criteria Version 2. Collection method: clinical testing. Allele origin: germline. Affected: yes. Observed: 2 variant alleles.
Comment: APP: BP4, BP7

Labcorp Genetics (formerly Invitae), Labcorp
Classification: Likely benign for Alzheimer disease. Last evaluated: 2024-07-30. Review status: criteria provided, single submitter. Criteria: Invitae Variant Classification Sherloc (09022015). Collection method: clinical testing. Allele origin: germline.

NM_000484.4(APP):c.1416C>T (p.Ala472=)

Gene: APP (amyloid beta precursor protein; minus strand). Cytogenetic location: 21q21.3.
Variant type: single nucleotide variant.
Coding change: c.1416C>T on transcript NM_000484.4 (MANE Select); coding-DNA position 1416, C replaced by T.
Protein change: p.Ala472=; no amino-acid change (alanine 472 retained).
Molecular consequence: synonymous variant.
Genome position (GRCh38, 1-based): chr21:25,975,112, G>A on the plus strand (C>T on the coding strand, the complement: APP is on the minus strand). VCF-style: chr21-25975112-G-A. GRCh37 (hg19) VCF-style: chr21-27347425-G-A.
Other names: c.1344C>T, p.Ala448= (NM_001136016.3); c.1023C>T, p.Ala341= (NM_001136129.3); c.1248C>T, p.Ala416= (NM_001136130.3, NM_001385253.1); c.1086C>T, p.Ala362= (NM_001136131.3); c.1416C>T, p.Ala472= (NM_001204301.2); c.1359C>T, p.Ala453= (NM_001204302.2, NM_201413.3); c.1191C>T, p.Ala397= (NM_001204303.2, NM_201414.3).
Identifiers: ClinVar variation 2966107 (VCV002966107.17), dbSNP rs201377759, ClinGen allele CA9987330.